The following is an entry in ClinVar:

ClinVar aggregate classification (germline): Likely benign (1 of 4 stars; one submission).

gnomAD v4.1: 3 of 1,544,664 alleles (0.00019%); highest among the groups gnomAD compares: South Asian, 0.0036%; no homozygotes.

Submission:

Mayo Clinic Laboratories, Mayo Clinic
Classification: Likely benign. Last evaluated: 2025-10-23. Review status: criteria provided, single submitter. Criteria: ACMG Guidelines, 2015. Collection method: clinical testing. Allele origin: germline. Observed: 1 variant allele.
Comment: BP4, BP7

NM_001166114.2(PNPLA6):c.414G>A (p.Lys138=)

Gene: PNPLA6 (patatin like domain 6, lysophospholipase; plus strand). Cytogenetic location: 19p13.2.
Variant type: single nucleotide variant.
Coding change: c.414G>A on transcript NM_001166114.2 (MANE Select); coding-DNA position 414, G replaced by A.
Protein change: p.Lys138=; no amino-acid change (lysine 138 retained).
Molecular consequence: synonymous variant.
Genome position (GRCh38, 1-based): chr19:7,539,918, G>A. VCF-style: chr19-7539918-G-A. GRCh37 (hg19) VCF-style: chr19-7604804-G-A.
Other names: p.Lys99=; c.441G>A, p.Lys147= (NM_001166111.2); c.297G>A, p.Lys99= (NM_001166112.2, NM_001166113.1, NM_006702.5).
Identifiers: ClinVar variation 4684300 (VCV004684300.1).
Genomic context (GRCh38, chr19:7,539,918, plus strand): 5'-AGGTTTGCCTGAGCCTTCTCCGTGCCCCCCTCACCCCCGGCACCCCTCCCCTCCCACCAG[G>A]ATCCTGCGCATCCAGAAAGAGACGCCCACGCTGCAGCGGAAGGAGCCCCCGCCCGCAGTG-3'
Protein context (NP_001159586.1, residues 128-148): KKLKMLNIAK[Lys138=]ILRIQKETPT